The following is an entry in ClinVar:

ClinVar aggregate classification (germline): Pathogenic (1 of 4 stars; one submission).

Conditions:
Citrin deficiency. Identifiers: Orphanet 247582, MedGen C1997910, MONDO:0016602.

Submission:

Labcorp Genetics (formerly Invitae), Labcorp
Classification: Pathogenic for Citrin deficiency. Last evaluated: 2021-08-31. Review status: criteria provided, single submitter. Criteria: Invitae Variant Classification Sherloc (09022015). Collection method: clinical testing. Allele origin: germline.
Comment: This sequence change creates a premature translational stop signal (p.Gln442*) in the SLC25A13 gene. It is expected to result in an absent or disrupted protein product. Loss-of-function variants in SLC25A13 are known to be pathogenic (PMID: 10369257, 14680984, 27405544). For these reasons, this variant has been classified as Pathogenic. This variant has not been reported in the literature in individuals affected with SLC25A13-related conditions. This variant is not present in population databases (ExAC no frequency).

Literature cited by the submitters: PubMed 10369257; PubMed 14680984; PubMed 27405544.

NM_014251.3(SLC25A13):c.1324C>T (p.Gln442Ter)

Gene: SLC25A13 (solute carrier family 25 member 13; minus strand). Cytogenetic location: 7q21.3.
Variant type: single nucleotide variant.
Coding change: c.1324C>T on transcript NM_014251.3 (MANE Select); coding-DNA position 1324, C replaced by T.
Protein change: p.Gln442Ter; replaces glutamine 442 with a stop codon.
Molecular consequence: nonsense. On other transcripts: non-coding transcript variant (1).
Genome position (GRCh38, 1-based): chr7:96,146,684, G>A on the plus strand (C>T on the coding strand, the complement: SLC25A13 is on the minus strand). VCF-style: chr7-96146684-G-A. GRCh37 (hg19) VCF-style: chr7-95775996-G-A.
Other names: c.1327C>T, p.Gln443Ter (NM_001160210.2); short protein forms Q442*, Q443*.
Identifiers: ClinVar variation 1405696 (VCV001405696.6), dbSNP rs2116482158, ClinGen allele CA368256167.
Genomic context (GRCh38, chr7:96,146,684, plus strand): 5'-TTTCTCCTGCCACTTGCAAACGGATCTTGACGATTTCTAAAGGATTTGTGAAAATCACCT[G>A]GGAGCCTCCAGCCTAAAAAGAACAAAAAAGATTTAGGATCAAAGCAAAGAAATGGTAAGG-3'